The following is an entry in ClinVar:

ClinVar aggregate classification (germline): Uncertain significance. Review status: criteria provided, multiple submitters, no conflicts (2 of 4 stars). 2 submissions from 2 submitters: Uncertain significance (2). Last evaluated 2024-05-07.

Submissions (2):

GeneDx
Classification: Uncertain significance. Last evaluated: 2024-05-07. Review status: criteria provided, single submitter. Criteria: GeneDx Variant Classification Process June 2021. Collection method: clinical testing. Allele origin: germline. Affected: yes.
Comment: Not observed at significant frequency in large population cohorts (gnomAD); In silico analysis supports that this missense variant has a deleterious effect on protein structure/function; Has not been previously published as pathogenic or benign to our knowledge

Labcorp Genetics (formerly Invitae), Labcorp
Classification: Uncertain significance. Last evaluated: 2022-07-08. Review status: criteria provided, single submitter. Criteria: Invitae Variant Classification Sherloc (09022015). Collection method: clinical testing. Allele origin: germline.
Comment: This sequence change replaces phenylalanine, which is neutral and non-polar, with leucine, which is neutral and non-polar, at codon 185 of the SCN3A protein (p.Phe185Leu). This variant is not present in population databases (gnomAD no frequency). This variant has not been reported in the literature in individuals affected with SCN3A-related conditions. Algorithms developed to predict the effect of missense changes on protein structure and function are either unavailable or do not agree on the potential impact of this missense change (SIFT: "Deleterious"; PolyPhen-2: "Probably Damaging"; Align-GVGD: "Class C0"). In summary, the available evidence is currently insufficient to determine the role of this variant in disease. Therefore, it has been classified as a Variant of Uncertain Significance.

NM_006922.4(SCN3A):c.553T>C (p.Phe185Leu)

Gene: SCN3A (sodium voltage-gated channel alpha subunit 3; minus strand). Cytogenetic location: 2q24.3.
Variant type: single nucleotide variant.
Coding change: c.553T>C on transcript NM_006922.4 (MANE Select); coding-DNA position 553, T replaced by C.
Protein change: p.Phe185Leu; replaces phenylalanine 185 with leucine.
Molecular consequence: missense variant.
Genome position (GRCh38, 1-based): chr2:165,164,441, A>G on the plus strand (T>C on the coding strand, the complement: SCN3A is on the minus strand). VCF-style: chr2-165164441-A-G. GRCh37 (hg19) VCF-style: chr2-166020951-A-G.
Other names: c.553T>C, p.Phe185Leu (NM_001081676.2, NM_001081677.2); c.553T>C (NM_006922.3); short protein forms F185L.
Identifiers: ClinVar variation 1927762 (VCV001927762.6), dbSNP rs2468492701, ClinGen allele CA349239989.
Genomic context (GRCh38, chr2:165,164,441, plus strand): 5'-AAGTTACTCACGCCATCACAATGACACTGAAATCCAGCCAGTTCCATGGATCACGAAGAA[A>G]CGTAAAATCTTCTAAGCAAAACCCTCTTGCCAAGATTTTTATAAGTGACTCAAAGGTATA-3'
Protein context (NP_008853.3, residues 175-195): ARGFCLEDFT[Phe185Leu]LRDPWNWLDF